The following is an entry in ClinVar:

ClinVar aggregate classification (germline): Uncertain significance (1 of 4 stars; one submission).

Conditions:
Early-infantile DEE. Also called: Early infantile epileptic encephalopathy with suppression bursts; Early infantile epileptic encephalopathy; Ohtahara syndrome. Identifiers: Orphanet 1934, MedGen C0393706, MONDO:0800491.

Allele frequency attached by ClinVar (database versions not stated): gnomAD 0.00001.

Submission:

Labcorp Genetics (formerly Invitae), Labcorp
Classification: Uncertain significance for Early-infantile DEE. Last evaluated: 2024-02-24. Review status: criteria provided, single submitter. Criteria: Invitae Variant Classification Sherloc (09022015). Collection method: clinical testing. Allele origin: germline.
Comment: This sequence change replaces glutamic acid, which is acidic and polar, with glycine, which is neutral and non-polar, at codon 161 of the SLC25A22 protein (p.Glu161Gly). This variant is not present in population databases (gnomAD no frequency). This variant has not been reported in the literature in individuals affected with SLC25A22-related conditions. ClinVar contains an entry for this variant (Variation ID: 1715617). Algorithms developed to predict the effect of missense changes on protein structure and function output the following: SIFT: "Not Available"; PolyPhen-2: "Benign"; Align-GVGD: "Not Available". The glycine amino acid residue is found in multiple mammalian species, which suggests that this missense change does not adversely affect protein function. In summary, the available evidence is currently insufficient to determine the role of this variant in disease. Therefore, it has been classified as a Variant of Uncertain Significance.

NM_001191061.2(SLC25A22):c.482A>G (p.Glu161Gly)

Gene: SLC25A22 (solute carrier family 25 member 22; minus strand). Cytogenetic location: 11p15.5.
Variant type: single nucleotide variant.
Coding change: c.482A>G on transcript NM_001191061.2 (MANE Select); coding-DNA position 482, A replaced by G.
Protein change: p.Glu161Gly; replaces glutamic acid 161 with glycine.
Molecular consequence: missense variant.
Genome position (GRCh38, 1-based): chr11:792,658, T>C on the plus strand (A>G on the coding strand, the complement: SLC25A22 is on the minus strand). VCF-style: chr11-792658-T-C. GRCh37 (hg19) VCF-style: chr11-792658-T-C.
Other names: c.482A>G, p.Glu161Gly (NM_001191060.2, NM_024698.6); short protein forms E161G.
Identifiers: ClinVar variation 1715617 (VCV001715617.5), dbSNP rs1864592288, ClinGen allele CA378969933.